The following is an entry in ClinVar:

NM_002292.4(LAMB2):c.4742G>A (p.Arg1581His)

Gene: LAMB2 (laminin subunit beta 2; minus strand). Cytogenetic location: 3p21.31.
Variant type: single nucleotide variant.
Coding change: c.4742G>A on transcript NM_002292.4 (MANE Select); coding-DNA position 4742, G replaced by A.
Protein change: p.Arg1581His; replaces arginine 1581 with histidine.
Molecular consequence: missense variant.
Genome position (GRCh38, 1-based): chr3:49,122,202, C>T on the plus strand (G>A on the coding strand, the complement: LAMB2 is on the minus strand). VCF-style: chr3-49122202-C-T. GRCh37 (hg19) VCF-style: chr3-49159635-C-T.
Other names: short protein forms R1581H.
Identifiers: ClinVar variation 1054976 (VCV001054976.4), dbSNP rs149601073, ClinGen allele CA2393720.

ClinVar aggregate classification (germline): Uncertain significance. Review status: criteria provided, multiple submitters, no conflicts (2 of 4 stars). 2 submissions from 2 submitters: Uncertain significance (2). Last evaluated 2021-12-22.

Conditions:
Pierson syndrome. Also called: MICROCORIA-CONGENITAL NEPHROTIC SYNDROME. Identifiers: Orphanet 2670, MedGen C1836876, MONDO:0012184, OMIM 609049.
LAMB2-related infantile-onset nephrotic syndrome. Also called: NEPHROTIC SYNDROME, TYPE 5, WITHOUT OCULAR ABNORMALITIES; NEPHROTIC SYNDROME, TYPE 5, WITH OCULAR ABNORMALITIES; Nephrotic Syndrome, type 5. Identifiers: Orphanet 306507, MedGen C3280113, MONDO:0013621, OMIM 614199.

Allele frequency attached by ClinVar (database versions not stated): ExAC 0.00001; gnomAD exomes 0.00001 and 0.00008; gnomAD 0.00003; TOPMed 0.00006; ESP Exome Variant Server 0.00015.
gnomAD v4.1: 124 of 1,613,386 alleles (0.0077%); highest among the groups gnomAD compares: Non-Finnish European, 0.01%; no homozygotes.

Submissions (2):

Fulgent Genetics
Classification: Uncertain significance for Pierson syndrome; LAMB2-related infantile-onset nephrotic syndrome. Last evaluated: 2021-12-22. Review status: criteria provided, single submitter. Criteria: ACMG Guidelines, 2015. Collection method: clinical testing. Allele origin: unknown.

Labcorp Genetics (formerly Invitae), Labcorp
Classification: Uncertain significance for LAMB2-related infantile-onset nephrotic syndrome; Pierson syndrome. Last evaluated: 2021-09-09. Review status: criteria provided, single submitter. Criteria: Invitae Variant Classification Sherloc (09022015). Collection method: clinical testing. Allele origin: germline.
Comment: This variant is present in population databases (rs149601073, ExAC 0.002%). In summary, the available evidence is currently insufficient to determine the role of this variant in disease. Therefore, it has been classified as a Variant of Uncertain Significance. Algorithms developed to predict the effect of missense changes on protein structure and function output the following: SIFT: "Deleterious"; PolyPhen-2: "Benign"; Align-GVGD: "Class C25". The histidine amino acid residue is found in multiple mammalian species, which suggests that this missense change does not adversely affect protein function. This variant has not been reported in the literature in individuals affected with LAMB2-related conditions. This sequence change replaces arginine with histidine at codon 1581 of the LAMB2 protein (p.Arg1581His). The arginine residue is highly conserved and there is a small physicochemical difference between arginine and histidine.